The following is an entry in ClinVar:

ClinVar aggregate classification (germline): Uncertain significance. Review status: criteria provided, multiple submitters, no conflicts (2 of 4 stars). 2 submissions from 2 submitters: Uncertain significance (2). Last evaluated 2024-09-20.

Allele frequency attached by ClinVar (database versions not stated): gnomAD exomes 0.00001.
gnomAD v4.1: 16 of 1,612,012 alleles (0.00099%); highest among the groups gnomAD compares: African/African-American, 0.0013%; no homozygotes.

Submissions (2):

Women's Health and Genetics/Laboratory Corporation of America, LabCorp
Classification: Uncertain significance. Last evaluated: 2024-09-20. Review status: criteria provided, single submitter. Criteria: LabCorp Variant Classification Summary - May 2015. Collection method: clinical testing. Allele origin: germline.
Comment: Variant summary: ACAN c.896C>A (p.Ala299Asp) results in a non-conservative amino acid change located in the Link domain (IPR000538) of the encoded protein sequence. Four of five in-silico tools predict a damaging effect of the variant on protein function. The variant allele was found at a frequency of 8.2e-06 in 242552 control chromosomes. The available data on variant occurrences in the general population are insufficient to allow any conclusion about variant significance. To our knowledge, no occurrence of c.896C>A in individuals affected with ACAN-Related Disorders and no experimental evidence demonstrating its impact on protein function have been reported. ClinVar contains an entry for this variant (Variation ID: 2192500). Based on the evidence outlined above, the variant was classified as uncertain significance.

Labcorp Genetics (formerly Invitae), Labcorp
Classification: Uncertain significance. Last evaluated: 2022-10-13. Review status: criteria provided, single submitter. Criteria: Invitae Variant Classification Sherloc (09022015). Collection method: clinical testing. Allele origin: germline.
Comment: In summary, the available evidence is currently insufficient to determine the role of this variant in disease. Therefore, it has been classified as a Variant of Uncertain Significance. Advanced modeling of protein sequence and biophysical properties (such as structural, functional, and spatial information, amino acid conservation, physicochemical variation, residue mobility, and thermodynamic stability) performed at Invitae indicates that this missense variant is not expected to disrupt ACAN protein function. This variant has not been reported in the literature in individuals affected with ACAN-related conditions. This variant is present in population databases (no rsID available, gnomAD 0.002%). This sequence change replaces alanine, which is neutral and non-polar, with aspartic acid, which is acidic and polar, at codon 299 of the ACAN protein (p.Ala299Asp).

NM_001369268.1(ACAN):c.896C>A (p.Ala299Asp)

Gene: ACAN (aggrecan; plus strand). Cytogenetic location: 15q26.1.
Variant type: single nucleotide variant.
Coding change: c.896C>A on transcript NM_001369268.1 (MANE Select); coding-DNA position 896, C replaced by A.
Protein change: p.Ala299Asp; replaces alanine 299 with aspartic acid.
Molecular consequence: missense variant.
Genome position (GRCh38, 1-based): chr15:88,843,493, C>A. VCF-style: chr15-88843493-C-A. GRCh37 (hg19) VCF-style: chr15-89386724-C-A.
Other names: c.896C>A, p.Ala299Asp (NM_001135.4, NM_001411096.1, NM_001411097.1 and 1 more transcripts); short protein forms A299D.
Identifiers: ClinVar variation 2192500 (VCV002192500.5), dbSNP rs1003014165, ClinGen allele CA274468730.